The following is an entry in ClinVar:

ClinVar aggregate classification (germline): Uncertain significance (1 of 4 stars; one submission).

Conditions:
PSTPIP1-related disorder. Also called: PSTPIP1-related condition.

gnomAD v4.1: 39 of 1,612,070 alleles (0.0024%); highest among the groups gnomAD compares: South Asian, 0.0088%; no homozygotes.

Submission:

PreventionGenetics, part of Exact Sciences
Classification: Uncertain significance for PSTPIP1-related condition. Last evaluated: 2025-01-15. Review status: criteria provided, single submitter. Criteria: ACMG Guidelines, 2015. Collection method: clinical testing. Allele origin: germline.
Comment: The PSTPIP1 c.130C>T variant is predicted to result in the amino acid substitution p.Arg44Cys. To our knowledge, this variant has not been reported in the literature. This variant is reported in 0.012% of alleles in individuals of Latino descent in gnomAD. Although we suspect that this variant may be benign, at this time, the clinical significance of this variant is uncertain due to the absence of conclusive functional and genetic evidence.

NM_003978.5(PSTPIP1):c.-66C>T

Gene: PSTPIP1 (proline-serine-threonine phosphatase interacting protein 1; plus strand). Cytogenetic location: 15q24.3.
Variant type: single nucleotide variant.
Coding change: c.-66C>T on transcript NM_003978.5 (MANE Select); 66 bases upstream of the start codon, C replaced by T.
Molecular consequence: 5 prime UTR variant. On other transcripts: missense variant (1), non-coding transcript variant (1).
Genome position (GRCh38, 1-based): chr15:76,995,508, C>T. VCF-style: chr15-76995508-C-T. GRCh37 (hg19) VCF-style: chr15-77287849-C-T.
Other names: c.-66C>T (NM_001321135.2, NM_001411086.1); c.-312C>T (NM_001321136.2); c.130C>T, p.Arg44Cys (NM_001321137.1); short protein forms R44C.
Identifiers: ClinVar variation 4977576 (VCV004977576.1).